The following is an entry in ClinVar:

NM_001370298.3(FGD4):c.2704G>T (p.Glu902Ter)

Gene: FGD4 (FYVE, RhoGEF and PH domain containing 4; plus strand). Cytogenetic location: 12p11.21.
Variant type: single nucleotide variant.
Coding change: c.2704G>T on transcript NM_001370298.3 (MANE Select); coding-DNA position 2704, G replaced by T.
Protein change: p.Glu902Ter; replaces glutamic acid 902 with a stop codon.
Molecular consequence: nonsense. On other transcripts: intron variant (3).
Genome position (GRCh38, 1-based): chr12:32,640,525, G>T. VCF-style: chr12-32640525-G-T. GRCh37 (hg19) VCF-style: chr12-32793459-G-T.
Other names: c.2548G>T, p.Glu850Ter (NM_001304481.2); c.1261G>T, p.Glu421Ter (NM_001304484.2); c.2014G>T, p.Glu672Ter (NM_001330373.2, NM_001330374.2, NM_001384130.1); c.1741G>T, p.Glu581Ter (NM_001370297.1); c.2293G>T, p.Glu765Ter (NM_001385118.1, NM_139241.3); c.2632+72G>T (NM_001384126.1); c.2221+72G>T (NM_001384127.1, NM_001384128.1); short protein forms E421*, E765*, E581*, E672*, E850*, E902*.
Identifiers: ClinVar variation 1043204 (VCV001043204.6), dbSNP rs752612218, ClinGen allele CA384373036.
Genomic context (GRCh38, chr12:32,640,525, plus strand): 5'-GGTGGTCCAAATGAGCATCCAGCCACCTTGGATGATCATCCTGAACCTAAGAAAAAATCA[G>T]AATGCTGAACTCCTCCAGGACCAGCCATGGTGTGGAGGTCTCAGGACTTACAGCTCAAGA-3'

ClinVar aggregate classification (germline): Uncertain significance (1 of 4 stars; one submission).

Conditions:
Charcot-Marie-Tooth disease type 4. Also called: Charcot-Marie-Tooth, Type 4; Charcot-Marie-Tooth disease, type IV. Identifiers: Orphanet 64749, MedGen C4082197, MONDO:0018995.

Submission:

Labcorp Genetics (formerly Invitae), Labcorp
Classification: Uncertain significance for Charcot-Marie-Tooth disease type 4. Last evaluated: 2020-07-10. Review status: criteria provided, single submitter. Criteria: Invitae Variant Classification Sherloc (09022015). Collection method: clinical testing. Allele origin: germline.
Comment: This sequence change results in a premature translational stop signal in the FGD4 gene (p.Glu765*). While this is not anticipated to result in nonsense mediated decay, it is expected to disrupt the last 2 amino acids of the FGD4 protein. This variant is not present in population databases (ExAC no frequency). This variant has not been reported in the literature in individuals with FGD4-related conditions. Experimental studies and prediction algorithms are not available or were not evaluated, and the functional significance of this variant is currently unknown. In summary, the available evidence is currently insufficient to determine the role of this variant in disease. Therefore, it has been classified as a Variant of Uncertain Significance.